The following is an entry in ClinVar:

ClinVar aggregate classification (germline): Likely pathogenic (1 of 4 stars; one submission).

Submission:

CeGaT Center for Human Genetics Tuebingen
Classification: Likely pathogenic. Last evaluated: 2024-07-01. Review status: criteria provided, single submitter. Criteria: CeGaT Center For Human Genetics Tuebingen Variant Classification Criteria Version 2. Collection method: clinical testing. Allele origin: germline. Affected: yes. Observed: 1 variant allele.
Comment: OPHN1: PVS1:Strong, PM2

NM_002547.3(OPHN1):c.155-1G>A

Gene: OPHN1 (oligophrenin 1; minus strand). Cytogenetic location: Xq12.
Variant type: single nucleotide variant.
Coding change: c.155-1G>A on transcript NM_002547.3 (MANE Select); the canonical splice acceptor site of the intron before coding-DNA position 155, G replaced by A.
Molecular consequence: splice acceptor variant.
Genome position (GRCh38, 1-based): chrX:68,299,097, C>T on the plus strand (G>A on the coding strand, the complement: OPHN1 is on the minus strand). VCF-style: chrX-68299097-C-T. GRCh37 (hg19) VCF-style: chrX-67518939-C-T.
Identifiers: ClinVar variation 3257404 (VCV003257404.17).